The following is an entry in ClinVar:

NM_025132.4(WDR19):c.841A>C (p.Ile281Leu)

Gene: WDR19 (WD repeat domain 19; plus strand). Cytogenetic location: 4p14.
Variant type: single nucleotide variant.
Coding change: c.841A>C on transcript NM_025132.4 (MANE Select); coding-DNA position 841, A replaced by C.
Protein change: p.Ile281Leu; replaces isoleucine 281 with leucine.
Molecular consequence: missense variant.
Genome position (GRCh38, 1-based): chr4:39,205,687, A>C. VCF-style: chr4-39205687-A-C. GRCh37 (hg19) VCF-style: chr4-39207307-A-C.
Other names: c.361A>C, p.Ile121Leu (NM_001317924.2); short protein forms I281L, I121L.
Identifiers: ClinVar variation 1450563 (VCV001450563.6), dbSNP rs1727876160, ClinGen allele CA356634486.
Genomic context (GRCh38, chr4:39,205,687, plus strand): 5'-ACTGGAGAGCTTGGTCAAGAGATATTTCAGGCTCGTAACCATAAAGATAATCTAACCAGC[A>C]TTGCAGTATCACAGACTCTTAACAAAGTTGCTACATGTGGAGATAACTGGTAAGTTATTT-3'
Protein context (NP_079408.3, residues 271-291): ARNHKDNLTS[Ile281Leu]AVSQTLNKVA

ClinVar aggregate classification (germline): Uncertain significance (1 of 4 stars; one submission).

Conditions:
Senior-Loken syndrome 8 (SLSN8). Identifiers: Orphanet 3156, MedGen C4225376, MONDO:0014579, OMIM 616307.
Asphyxiating thoracic dystrophy 5 (SRTD5). Also called: SHORT-RIB THORACIC DYSPLASIA 5 WITH OR WITHOUT POLYDACTYLY; SHORT-RIB THORACIC DYSPLASIA 5 WITHOUT POLYDACTYLY. Identifiers: Orphanet 474, MedGen C3280598, MONDO:0013717, OMIM 614376.

Submission:

Labcorp Genetics (formerly Invitae), Labcorp
Classification: Uncertain significance for Senior-Loken syndrome 8; Asphyxiating thoracic dystrophy 5. Last evaluated: 2023-07-10. Review status: criteria provided, single submitter. Criteria: Invitae Variant Classification Sherloc (09022015). Collection method: clinical testing. Allele origin: germline.
Comment: In summary, the available evidence is currently insufficient to determine the role of this variant in disease. Therefore, it has been classified as a Variant of Uncertain Significance. Advanced modeling of protein sequence and biophysical properties (such as structural, functional, and spatial information, amino acid conservation, physicochemical variation, residue mobility, and thermodynamic stability) has been performed at Invitae for this missense variant, however the output from this modeling did not meet the statistical confidence thresholds required to predict the impact of this variant on WDR19 protein function. ClinVar contains an entry for this variant (Variation ID: 1450563). This variant has not been reported in the literature in individuals affected with WDR19-related conditions. This variant is not present in population databases (gnomAD no frequency). This sequence change replaces isoleucine, which is neutral and non-polar, with leucine, which is neutral and non-polar, at codon 281 of the WDR19 protein (p.Ile281Leu).